The following is an entry in ClinVar:

ClinVar aggregate classification (germline): Uncertain significance (1 of 4 stars; one submission).

Conditions:
Familial adenomatous polyposis 1 (FAP1). Also called: FAMILIAL ADENOMATOUS POLYPOSIS 1, ATTENUATED; POLYPOSIS, ADENOMATOUS INTESTINAL. Identifiers: MedGen C2713442, MONDO:0021056, OMIM 175100. Disease mechanism: loss of function.

Submission:

Labcorp Genetics (formerly Invitae), Labcorp
Classification: Uncertain significance for Familial adenomatous polyposis 1. Last evaluated: 2021-04-16. Review status: criteria provided, single submitter. Criteria: Invitae Variant Classification Sherloc (09022015). Collection method: clinical testing. Allele origin: germline.
Comment: In summary, the available evidence is currently insufficient to determine the role of this variant in disease. Therefore, it has been classified as a Variant of Uncertain Significance. Experimental studies and prediction algorithms are not available or were not evaluated, and the functional significance of this variant is currently unknown. This variant has not been reported in the literature in individuals with APC-related conditions. The frequency data for this variant in the population databases is considered unreliable, as metrics indicate insufficient coverage at this position in the ExAC database. This variant occurs in a non-coding region of the APC gene. It does not change the encoded amino acid sequence of the APC protein.

NC_000005.10:g.112707391A>T

Gene: APC (APC regulator of Wnt signaling pathway; plus strand). Cytogenetic location: 5q22.2.
Variant type: single nucleotide variant.
Genome position: GRCh38 VCF-style: chr5-112707391-A-T. GRCh37 (hg19) VCF-style: chr5-112043088-A-T.
Identifiers: ClinVar variation 1465398 (VCV001465398.6), dbSNP rs1750554840, ClinGen allele CA2573138749.